The following is an entry in ClinVar:

ClinVar aggregate classification (germline): Uncertain significance (1 of 4 stars; one submission).

Conditions:
Atypical hemolytic-uremic syndrome. Identifiers: Orphanet 2134, MedGen C2931788, MONDO:0016244.

Submission:

Genomenon, Inc
Classification: Uncertain significance for Atypical hemolytic-uremic syndrome. Last evaluated: 2025-10-02. Review status: criteria provided, single submitter. Criteria: Genomenon Sequence Variant Interpretation Standards - Updated. Collection method: curation. Allele origin: germline. Affected: yes.
Comment: CFH p.His373Asn (c.1117C>A) is a missense variant that changes the amino acid at residue 373 from Histidine to Asparagine. This variant has been observed in at least one proband affected with atypical hemolytic-uremic syndrome (PMID:33213850). It is absent or not present at a significant frequency in gnomAD. In silico models agree that this variant is not damaging. In conclusion, we classify CFH p.His373Asn (c.1117C>A) as a variant of uncertain significance.

Literature cited by the submitters: PubMed 33213850.

NM_000186.4(CFH):c.1117C>A (p.His373Asn)

Gene: CFH (complement factor H; plus strand). Cytogenetic location: 1q31.3.
Variant type: single nucleotide variant.
Coding change: c.1117C>A on transcript NM_000186.4 (MANE Select); coding-DNA position 1117, C replaced by A.
Protein change: p.His373Asn; replaces histidine 373 with asparagine.
Molecular consequence: missense variant.
Genome position (GRCh38, 1-based): chr1:196,689,572, C>A. VCF-style: chr1-196689572-C-A. GRCh37 (hg19) VCF-style: chr1-196658702-C-A.
Other names: c.1117C>A, p.His373Asn (NM_001014975.3); short protein forms H373N.
Identifiers: ClinVar variation 4291363 (VCV004291363.1).